The following is an entry in ClinVar:

ClinVar aggregate classification (germline): Benign (0 of 4 stars; one submission).

Conditions:
DCDC5-related condition.

gnomAD v4.1: 1,122 of 1,577,590 alleles (0.071%); highest among the groups gnomAD compares: African/African-American, 1.4%; 12 homozygotes.

Submission:

PreventionGenetics, part of Exact Sciences
Classification: Benign for DCDC5-related condition. Last evaluated: 2019-07-16. Review status: no assertion criteria provided. Collection method: clinical testing. Allele origin: germline.
Comment: This variant is classified as benign based on ACMG/AMP sequence variant interpretation guidelines (Richards et al. 2015 PMID: 25741868, with internal and published modifications).

NM_001387274.1(DCDC1):c.3037C>T (p.Leu1013=)

Gene: DCDC1 (doublecortin domain containing 1; minus strand). Cytogenetic location: 11p14.1.
Variant type: single nucleotide variant.
Coding change: c.3037C>T on transcript NM_001387274.1 (MANE Select); coding-DNA position 3037, C replaced by T.
Protein change: p.Leu1013=; no amino-acid change (leucine 1013 retained).
Molecular consequence: synonymous variant. On other transcripts: 5 prime UTR variant (1).
Genome position (GRCh38, 1-based): chr11:30,922,599, G>A on the plus strand (C>T on the coding strand, the complement: DCDC1 is on the minus strand). VCF-style: chr11-30922599-G-A. GRCh37 (hg19) VCF-style: chr11-30944146-G-A.
Other names: c.3037C>T, p.Leu1013= (NM_001367979.1); c.-210C>T (NM_001387275.1); c.358C>T, p.Leu120= (NM_020869.4).
Identifiers: ClinVar variation 3352432 (VCV003352432.1).
Genomic context (GRCh38, chr11:30,922,599, plus strand): 5'-TGGCAATGTCTGATTCTAGGTTCCTCAGGAATATTTGTTTCTTTTGCTGAGCAATGGACA[G>A]GTCAGGATTGATCCAGAGTTCTCCACATGAAACATACACCTATCAAACAAAGCATCTCTT-3'
Protein context (NP_001374203.1, residues 1003-1023): SCGELWINPD[Leu1013=]SIAQQKKQIF